The following is an entry in ClinVar:

ClinVar aggregate classification (germline): Conflicting classifications of pathogenicity. Review status: criteria provided, conflicting classifications (1 of 4 stars). 8 submissions from 8 submitters: Pathogenic (2); Likely pathogenic (5); Uncertain significance (1). Last evaluated 2025-11-30.

Conditions:
FLG-related disorder. Also called: FLG-related disorders; FLG-related condition.
Ichthyosis vulgaris. Also called: Dominant ichthyosis vulgaris; ICHTHYOSIS SIMPLEX. Identifiers: MedGen C0079584, MONDO:0024304, OMIM 146700.
Autosomal recessive congenital ichthyosis (ARCI). Identifiers: Orphanet 281097, MedGen C1274215, MONDO:0017265.
Ichthyosis and erythrokeratoderma.

Allele frequency attached by ClinVar (database versions not stated): ESP Exome Variant Server 0.00015.
gnomAD v4.1: 751 of 1,612,386 alleles (0.047%); highest among the groups gnomAD compares: Non-Finnish European, 0.06%; 3 homozygotes.

Submissions (8):

Genetics Laboratory, Great Ormond Street Hospital NHS Foundation Trust, North Thames Genomic Laboratory Hub
Classification: Uncertain significance for Ichthyosis and erythrokeratoderma. Last evaluated: 2025-11-30. Review status: criteria provided, single submitter. Criteria: ACGS Best Practice Guidelines for Variant Classification in Rare Disease 2024 v1.2. Collection method: clinical testing. Allele origin: germline. Affected: yes.
Comment: PVS1_strong, PM3_supporting

CeGaT Center for Human Genetics Tuebingen
Classification: Likely pathogenic. Last evaluated: 2025-10-01. Review status: criteria provided, single submitter. Criteria: CeGaT Center For Human Genetics Tuebingen Variant Classification Criteria Version 2. Collection method: clinical testing. Allele origin: germline. Affected: yes. Observed: 4 variant alleles.
Comment: FLG: PVS1:Strong, PM2, PS4:Moderate

Blueprint Genetics
Classification: Likely pathogenic for FLG-related disorders. Last evaluated: 2024-10-21. Review status: criteria provided, single submitter. Criteria: ACMG Guidelines, 2015. Collection method: clinical testing. Allele origin: germline. Affected: yes. Observed: 5 variant alleles.

Institute of Human Genetics Munich, TUM University Hospital
Classification: Likely pathogenic for Ichthyosis vulgaris. Last evaluated: 2024-07-18. Review status: criteria provided, single submitter. Criteria: Classification criteria August 2017. Collection method: clinical testing. Allele origin: maternal. Inheritance: Autosomal dominant inheritance. Affected: yes. Observed: 1 variant allele.

Department of Pathology and Laboratory Medicine, Sinai Health System
Classification: Likely pathogenic for Ichthyosis vulgaris. Last evaluated: 2023-10-02. Review status: criteria provided, single submitter. Criteria: ACMG Guidelines, 2015. Collection method: research. Allele origin: germline.

Genome-Nilou Lab
Classification: Pathogenic for Ichthyosis vulgaris. Last evaluated: 2023-04-11. Review status: criteria provided, single submitter. Criteria: ACMG Guidelines, 2015. Collection method: clinical testing. Allele origin: germline. Affected: no.

GeneDx
Classification: Pathogenic. Last evaluated: 2020-07-31. Review status: criteria provided, single submitter. Criteria: GeneDx Variant Classification Process June 2021. Collection method: clinical testing. Allele origin: germline. Affected: yes.
Comment: Reported previously in a patient with atopic dermatitis (O'Regan et al., 2010); Nonsense variant in the C-terminus predicted to result in protein truncation, as the last 643 amino acids are lost, and other loss-of-function variants have been reported downstream in the Human Gene Mutation Database (Stenson et al., 2014); This variant is associated with the following publications: (PMID: 20621340, 22322004, 31365035)

Cambridge Genomics Laboratory, East Genomic Laboratory Hub, NHS Genomic Medicine Service
Classification: Likely pathogenic for Autosomal recessive congenital ichthyosis. Last evaluated: 2019-10-24. Review status: criteria provided, single submitter. Criteria: ACGS Best Practice Guidelines for Variant Classification in Rare Disease 2020. Collection method: clinical testing. Allele origin: germline. Affected: yes. Observed: 1 variant allele.

NM_002016.2(FLG):c.10255C>T (p.Arg3419Ter)

Genes: CCDST (cervical cancer associated DHX9 suppressive transcript; plus strand), FLG (filaggrin; minus strand). Cytogenetic location: 1q21.3.
Variant type: single nucleotide variant.
Coding change: c.10255C>T on transcript NM_002016.2 (MANE Select); coding-DNA position 10255, C replaced by T.
Protein change: p.Arg3419Ter; replaces arginine 3419 with a stop codon.
Molecular consequence: nonsense.
Genome position (GRCh38, 1-based): chr1:152,304,631, G>A on the plus strand (C>T on the coding strand, the complement: FLG is on the minus strand). VCF-style: chr1-152304631-G-A. GRCh37 (hg19) VCF-style: chr1-152277107-G-A.
Other names: short protein forms R3419*.
Identifiers: ClinVar variation 870787 (VCV000870787.52), dbSNP rs143418984, ClinGen allele CA1103448.